The following is an entry in ClinVar:

NM_170754.4(TNS2):c.1384C>G (p.His462Asp)

Gene: TNS2 (tensin 2; plus strand). Cytogenetic location: 12q13.13.
Variant type: single nucleotide variant.
Coding change: c.1384C>G on transcript NM_170754.4 (MANE Select); coding-DNA position 1384, C replaced by G.
Protein change: p.His462Asp; replaces histidine 462 with aspartic acid.
Molecular consequence: missense variant.
Genome position (GRCh38, 1-based): chr12:53,058,806, C>G. VCF-style: chr12-53058806-C-G. GRCh37 (hg19) VCF-style: chr12-53452590-C-G.
Other names: c.1384C>G, p.His462Asp (NM_001416202.1, NM_001416204.1); c.1315C>G, p.His439Asp (NM_001416203.1, NM_015319.3); c.1012C>G, p.His338Asp (NM_198316.2); short protein forms H462D, H472D, H338D, H439D.
Identifiers: ClinVar variation 2291073 (VCV002291073.5), dbSNP rs201486450, ClinGen allele CA6592309.

ClinVar aggregate classification (germline): Uncertain significance. Review status: criteria provided, multiple submitters, no conflicts (2 of 4 stars). 2 submissions from 2 submitters: Uncertain significance (2). Last evaluated 2025-12-24.

Allele frequency attached by ClinVar (database versions not stated): ESP Exome Variant Server 0.00015; ExAC 0.00017; 1000 Genomes Project 0.00040; gnomAD exomes 0.00044; 1000 Genomes Project 30x 0.00031; gnomAD 0.00023; TOPMed 0.00024.
gnomAD v4.1: 657 of 1,613,774 alleles (0.041%); highest among the groups gnomAD compares: Non-Finnish European, 0.054%; no homozygotes.

Submissions (2):

Labcorp Genetics (formerly Invitae), Labcorp
Classification: Uncertain significance. Last evaluated: 2025-12-24. Review status: criteria provided, single submitter. Criteria: Invitae Variant Classification Sherloc (09022015). Collection method: clinical testing. Allele origin: germline.
Comment: This sequence change replaces histidine, which is basic and polar, with aspartic acid, which is acidic and polar, at codon 472 of the TNS2 protein (p.His472Asp). This variant is present in population databases (rs201486450, gnomAD 0.03%). This variant has not been reported in the literature in individuals affected with TNS2-related conditions. ClinVar contains an entry for this variant (Variation ID: 2291073). An algorithm developed to predict the effect of missense changes on protein structure and function (PolyPhen-2) suggests that this variant is likely to be tolerated. In summary, the available evidence is currently insufficient to determine the role of this variant in disease. Therefore, it has been classified as a Variant of Uncertain Significance.

Ambry Genetics
Classification: Uncertain significance. Last evaluated: 2025-10-07. Review status: criteria provided, single submitter. Criteria: Ambry Variant Classification Scheme 2023. Collection method: clinical testing. Allele origin: germline.